The following is an entry in ClinVar:

NM_001286.5(CLCN6):c.454-7C>A

Gene: CLCN6 (chloride voltage-gated channel 6; plus strand). Cytogenetic location: 1p36.22.
Variant type: single nucleotide variant.
Coding change: c.454-7C>A on transcript NM_001286.5 (MANE Select); 7 bases into the intron before coding-DNA position 454, C replaced by A.
Molecular consequence: intron variant.
Genome position (GRCh38, 1-based): chr1:11,823,700, C>A. VCF-style: chr1-11823700-C-A. GRCh37 (hg19) VCF-style: chr1-11883757-C-A.
Other names: c.388-7C>A (NM_001256959.2).
Identifiers: ClinVar variation 2764402 (VCV002764402.3), dbSNP rs1466978435, ClinGen allele CA2697552206.
Genomic context (GRCh38, chr1:11,823,700, plus strand): 5'-ATTGTTGAGGGTAAGCCAGAGAACCAATGGATTTCGAGTTATGGGTGTGCCTGCTCTCCT[C>A]CATCAGCCGGTGGCAGCAGGTTCCGGGATACCCGAGGTCAAATGCTATCTGAATGGCGTA-3'

ClinVar aggregate classification (germline): Uncertain significance (1 of 4 stars; one submission).

Submission:

Labcorp Genetics (formerly Invitae), Labcorp
Classification: Uncertain significance. Last evaluated: 2023-12-09. Review status: criteria provided, single submitter. Criteria: Invitae Variant Classification Sherloc (09022015). Collection method: clinical testing. Allele origin: germline.
Comment: This sequence change falls in intron 6 of the CLCN6 gene. It does not directly change the encoded amino acid sequence of the CLCN6 protein. This variant is not present in population databases (gnomAD no frequency). This variant has not been reported in the literature in individuals affected with CLCN6-related conditions. Algorithms developed to predict the effect of sequence changes on RNA splicing suggest that this variant may disrupt the consensus splice site. In summary, the available evidence is currently insufficient to determine the role of this variant in disease. Therefore, it has been classified as a Variant of Uncertain Significance.